The following is an entry in ClinVar:

ClinVar aggregate classification (germline): Benign (1 of 4 stars; one submission).

Allele frequency attached by ClinVar (database versions not stated): gnomAD 0.76484 and 0.76656; TOPMed 0.77876; 1000 Genomes Project 30x 0.82636; 1000 Genomes Project 0.82827.
gnomAD v4.1: 116,396 of 151,968 alleles (77%); highest among the groups gnomAD compares: African/African-American, 90%; 45,321 homozygotes.

Submission:

GeneDx
Classification: Benign. Last evaluated: 2018-06-14. Review status: criteria provided, single submitter. Criteria: GeneDx Variant Classification (06012015). Collection method: clinical testing. Allele origin: germline. Affected: yes.
Comment: This variant is considered likely benign or benign based on one or more of the following criteria: it is a conservative change, it occurs at a poorly conserved position in the protein, it is predicted to be benign by multiple in silico algorithms, and/or has population frequency not consistent with disease.

NM_032119.4(ADGRV1):c.11122-153A>G

Gene: ADGRV1 (adhesion G protein-coupled receptor V1; plus strand). Cytogenetic location: 5q14.3.
Variant type: single nucleotide variant.
Coding change: c.11122-153A>G on transcript NM_032119.4 (MANE Select); 153 bases into the intron before coding-DNA position 11122, A replaced by G.
Molecular consequence: intron variant.
Genome position (GRCh38, 1-based): chr5:90,753,421, A>G. VCF-style: chr5-90753421-A-G. GRCh37 (hg19) VCF-style: chr5-90049238-A-G.
Identifiers: ClinVar variation 674385 (VCV000674385.1), dbSNP rs2438339, ClinGen allele CA15373436.